The following is an entry in ClinVar:

NM_152424.4(AMER1):c.477T>G (p.Phe159Leu)

Gene: AMER1 (APC membrane recruitment protein 1; minus strand). Cytogenetic location: Xq11.2.
Variant type: single nucleotide variant.
Coding change: c.477T>G on transcript NM_152424.4 (MANE Select); coding-DNA position 477, T replaced by G.
Protein change: p.Phe159Leu; replaces phenylalanine 159 with leucine.
Molecular consequence: missense variant.
Genome position (GRCh38, 1-based): chrX:64,192,810, A>C on the plus strand (T>G on the coding strand, the complement: AMER1 is on the minus strand). VCF-style: chrX-64192810-A-C. GRCh37 (hg19) VCF-style: chrX-63412690-A-C.
Other names: short protein forms F159L.
Identifiers: ClinVar variation 133504 (VCV000133504.12), dbSNP rs34677493, ClinGen allele CA156710.

ClinVar aggregate classification (germline): Benign. Review status: criteria provided, multiple submitters, no conflicts (2 of 4 stars). 4 submissions from 4 submitters: Benign (3). 1 of the submissions does not count toward it. Last evaluated 2026-02-03.

Allele frequency attached by ClinVar (database versions not stated): gnomAD exomes 0.01843 and 0.04218; ExAC 0.05151; 1000 Genomes Project 30x 0.14547; TOPMed 0.14732; gnomAD 0.12901 and 0.13685; 1000 Genomes Project 0.13987; ESP Exome Variant Server 0.16331.
gnomAD v4.1: 35,420 of 1,209,530 alleles (2.9%); highest among the groups gnomAD compares: African/African-American, 44%; 4,387 homozygotes.

Submissions (4):

Labcorp Genetics (formerly Invitae), Labcorp
Classification: Benign. Last evaluated: 2026-02-03. Review status: criteria provided, single submitter. Criteria: Invitae Variant Classification Sherloc (09022015). Collection method: clinical testing. Allele origin: germline.

GeneDx
Classification: Benign. Last evaluated: 2019-06-15. Review status: criteria provided, single submitter. Criteria: GeneDx Variant Classification Process June 2021. Collection method: clinical testing. Allele origin: germline. Affected: yes.

Breakthrough Genomics
Classification: Benign. Review status: criteria provided, single submitter. Criteria: ACMG Guidelines, 2015. Collection method: not provided. Allele origin: germline. Inheritance: X-linked inheritance. Affected: yes.

ITMI
No classification provided. Condition: AllHighlyPenetrant. Last evaluated: 2013-09-19. Review status: no classification provided. Collection method: reference population. Allele origin: germline. Not counted in ClinVar's aggregate classification.
Comment: Please see associated publication for description of ethnicities

Literature cited by the submitters: PubMed 24728327 (cited by ITMI).